The following is an entry in ClinVar:

ClinVar aggregate classification (germline): Conflicting classifications of pathogenicity. Review status: criteria provided, conflicting classifications (1 of 4 stars). 2 submissions from 2 submitters: Uncertain significance (1); Likely benign (1). Last evaluated 2024-11-06.

Conditions:
Inborn genetic diseases. Identifiers: MedGen C0950123, MeSH D030342.

Allele frequency attached by ClinVar (database versions not stated): gnomAD 0.00001; gnomAD exomes 0.00002 and 0.00003; ExAC 0.00005; TOPMed 0.00005.
gnomAD v4.1: 32 of 1,613,304 alleles (0.002%); highest among the groups gnomAD compares: East Asian, 0.071%; no homozygotes.

Submissions (2):

Labcorp Genetics (formerly Invitae), Labcorp
Classification: Uncertain significance. Last evaluated: 2024-11-06. Review status: criteria provided, single submitter. Criteria: Invitae Variant Classification Sherloc (09022015). Collection method: clinical testing. Allele origin: germline.
Comment: This sequence change replaces lysine, which is basic and polar, with glutamic acid, which is acidic and polar, at codon 1228 of the ATR protein (p.Lys1228Glu). The frequency data for this variant in the population databases is considered unreliable, as metrics indicate poor data quality at this position in the gnomAD database. This variant has not been reported in the literature in individuals affected with ATR-related conditions. ClinVar contains an entry for this variant (Variation ID: 1478781). An algorithm developed to predict the effect of missense changes on protein structure and function outputs the following: PolyPhen-2: "Benign". The glutamic acid amino acid residue is found in multiple mammalian species, which suggests that this missense change does not adversely affect protein function. In summary, the available evidence is currently insufficient to determine the role of this variant in disease. Therefore, it has been classified as a Variant of Uncertain Significance.

Ambry Genetics
Classification: Likely benign for Inborn genetic diseases. Last evaluated: 2024-04-20. Review status: criteria provided, single submitter. Criteria: Ambry Variant Classification Scheme 2023. Collection method: clinical testing. Allele origin: germline.

NM_001184.4(ATR):c.3682A>G (p.Lys1228Glu)

Gene: ATR (ATR checkpoint kinase; minus strand). Cytogenetic location: 3q23.
Variant type: single nucleotide variant.
Coding change: c.3682A>G on transcript NM_001184.4 (MANE Select); coding-DNA position 3682, A replaced by G.
Protein change: p.Lys1228Glu; replaces lysine 1228 with glutamic acid.
Molecular consequence: missense variant.
Genome position (GRCh38, 1-based): chr3:142,538,525, T>C on the plus strand (A>G on the coding strand, the complement: ATR is on the minus strand). VCF-style: chr3-142538525-T-C. GRCh37 (hg19) VCF-style: chr3-142257367-T-C.
Other names: c.3490A>G, p.Lys1164Glu (NM_001354579.2); short protein forms K1228E, K1164E.
Identifiers: ClinVar variation 1478781 (VCV001478781.12), dbSNP rs769719514, ClinGen allele CA2650039.